The following is an entry in ClinVar:

ClinVar aggregate classification (germline): Uncertain significance (1 of 4 stars; one submission).

Conditions:
Gorlin syndrome. Also called: Nevoid Basal Cell Carcinoma Syndrome; Basal cell nevus syndrome. Identifiers: Orphanet 377, MedGen C0004779, MONDO:0007187.
Medulloblastoma (MDB). Also called: MEDULLOBLASTOMA PREDISPOSITION SYNDROME; Medulloblastoma, somatic. Identifiers: Orphanet 616, MedGen C0025149, MeSH D008527, MONDO:0007959, OMIM 155255, HP:0002885.

Submission:

Labcorp Genetics (formerly Invitae), Labcorp
Classification: Uncertain significance for Gorlin syndrome; Medulloblastoma. Last evaluated: 2025-09-30. Review status: criteria provided, single submitter. Criteria: Invitae Variant Classification Sherloc (09022015). Collection method: clinical testing. Allele origin: germline.
Comment: This sequence change replaces methionine, which is neutral and non-polar, with leucine, which is neutral and non-polar, at codon 404 of the SUFU protein (p.Met404Leu). This variant is not present in population databases (gnomAD no frequency). This variant has not been reported in the literature in individuals affected with SUFU-related conditions. Invitae Evidence Modeling of protein sequence and biophysical properties (such as structural, functional, and spatial information, amino acid conservation, physicochemical variation, residue mobility, and thermodynamic stability) indicates that this missense variant is not expected to disrupt SUFU protein function with a negative predictive value of 80%. In summary, the available evidence is currently insufficient to determine the role of this variant in disease. Therefore, it has been classified as a Variant of Uncertain Significance.

NM_016169.4(SUFU):c.1210A>C (p.Met404Leu)

Gene: SUFU (SUFU negative regulator of hedgehog signaling; plus strand). Cytogenetic location: 10q24.32.
Variant type: single nucleotide variant.
Coding change: c.1210A>C on transcript NM_016169.4 (MANE Select); coding-DNA position 1210, A replaced by C.
Protein change: p.Met404Leu; replaces methionine 404 with leucine.
Molecular consequence: missense variant.
Genome position (GRCh38, 1-based): chr10:102,617,342, A>C. VCF-style: chr10-102617342-A-C. GRCh37 (hg19) VCF-style: chr10-104377099-A-C.
Other names: c.1210A>C, p.Met404Leu (NM_001178133.2); short protein forms M404L.
Identifiers: ClinVar variation 4782823 (VCV004782823.1).